The following is an entry in ClinVar:

ClinVar aggregate classification (germline): Uncertain significance (1 of 4 stars; one submission).

Submission:

Labcorp Genetics (formerly Invitae), Labcorp
Classification: Uncertain significance. Last evaluated: 2021-12-23. Review status: criteria provided, single submitter. Criteria: Invitae Variant Classification Sherloc (09022015). Collection method: clinical testing. Allele origin: germline.
Comment: This sequence change replaces asparagine, which is neutral and polar, with serine, which is neutral and polar, at codon 377 of the MICU1 protein (p.Asn377Ser). This variant is not present in population databases (gnomAD no frequency). This variant has not been reported in the literature in individuals affected with MICU1-related conditions. Algorithms developed to predict the effect of missense changes on protein structure and function are either unavailable or do not agree on the potential impact of this missense change (SIFT: "Tolerated"; PolyPhen-2: "Not Available"; Align-GVGD: "Class C0"). In summary, the available evidence is currently insufficient to determine the role of this variant in disease. Therefore, it has been classified as a Variant of Uncertain Significance.

NM_001195518.2(MICU1):c.1124A>G (p.Asn375Ser)

Gene: MICU1 (mitochondrial calcium uptake 1; minus strand). Cytogenetic location: 10q22.1.
Variant type: single nucleotide variant.
Coding change: c.1124A>G on transcript NM_001195518.2 (MANE Select); coding-DNA position 1124, A replaced by G.
Protein change: p.Asn375Ser; replaces asparagine 375 with serine.
Molecular consequence: missense variant.
Genome position (GRCh38, 1-based): chr10:72,407,985, T>C on the plus strand (A>G on the coding strand, the complement: MICU1 is on the minus strand). VCF-style: chr10-72407985-T-C. GRCh37 (hg19) VCF-style: chr10-74167743-T-C.
Other names: c.530A>G, p.Asn177Ser (NM_001195519.2); c.1142A>G, p.Asn381Ser (NM_001363513.2); c.1130A>G, p.Asn377Ser (NM_006077.4); short protein forms N177S, N377S, N381S, N375S.
Identifiers: ClinVar variation 2054421 (VCV002054421.1), dbSNP rs2495052819, ClinGen allele CA377169229.